The following is an entry in ClinVar:

ClinVar aggregate classification (germline): Uncertain significance (1 of 4 stars; one submission).

Conditions:
Long QT syndrome (LQTS). Identifiers: MedGen C0023976, MeSH D008133, MONDO:0002442. Disease mechanism: loss of function. Inheritance: Various modes of inheritance.

Submission:

Labcorp Genetics (formerly Invitae), Labcorp
Classification: Uncertain significance for Long QT syndrome. Last evaluated: 2022-03-23. Review status: criteria provided, single submitter. Criteria: Invitae Variant Classification Sherloc (09022015). Collection method: clinical testing. Allele origin: germline.
Comment: This sequence change replaces serine, which is neutral and polar, with cysteine, which is neutral and slightly polar, at codon 959 of the KCNH2 protein (p.Ser959Cys). This variant is not present in population databases (gnomAD no frequency). This variant has not been reported in the literature in individuals affected with KCNH2-related conditions. ClinVar contains an entry for this variant (Variation ID: 662474). Algorithms developed to predict the effect of missense changes on protein structure and function (SIFT, PolyPhen-2, Align-GVGD) all suggest that this variant is likely to be tolerated. In summary, the available evidence is currently insufficient to determine the role of this variant in disease. Therefore, it has been classified as a Variant of Uncertain Significance.

NM_000238.4(KCNH2):c.2876C>G (p.Ser959Cys)

Gene: KCNH2 (potassium voltage-gated channel subfamily H member 2; minus strand). Cytogenetic location: 7q36.1.
Variant type: single nucleotide variant.
Coding change: c.2876C>G on transcript NM_000238.4 (MANE Select); coding-DNA position 2876, C replaced by G.
Protein change: p.Ser959Cys; replaces serine 959 with cysteine.
Molecular consequence: missense variant.
Genome position (GRCh38, 1-based): chr7:150,947,695, G>C on the plus strand (C>G on the coding strand, the complement: KCNH2 is on the minus strand). VCF-style: chr7-150947695-G-C. GRCh37 (hg19) VCF-style: chr7-150644783-G-C.
Other names: c.1856C>G, p.Ser619Cys (NM_172057.3); short protein forms S619C, S959C.
Identifiers: ClinVar variation 662474 (VCV000662474.8), dbSNP rs1584844763, ClinGen allele CA369853219.